The following is an entry in ClinVar:

NM_206927.4(SYTL2):c.4641A>G (p.Leu1547=)

Gene: SYTL2 (synaptotagmin like 2; minus strand). Cytogenetic location: 11q14.1.
Variant type: single nucleotide variant.
Coding change: c.4641A>G on transcript NM_206927.4 (MANE Select); coding-DNA position 4641, A replaced by G.
Protein change: p.Leu1547=; no amino-acid change (leucine 1547 retained).
Molecular consequence: synonymous variant. On other transcripts: intron variant (25).
Genome position (GRCh38, 1-based): chr11:85,724,717, T>C on the plus strand (A>G on the coding strand, the complement: SYTL2 is on the minus strand). VCF-style: chr11-85724717-T-C. GRCh37 (hg19) VCF-style: chr11-85435760-T-C.
Other names: c.4638A>G, p.Leu1546= (NM_001394447.1, NM_206928.4); c.4641A>G, p.Leu1547= (NM_001394448.1, NM_001394449.1, NM_001394452.1); c.4560A>G, p.Leu1520= (NM_001394450.1, NM_001394473.1); c.4557A>G, p.Leu1519= (NM_001394451.1); c.1378+3179A>G (NM_001394468.1, NM_001394464.1, NM_001394461.1); c.1381+3179A>G (NM_001394471.1, NM_001394462.1, NM_001394472.1 and 1 more transcripts); c.1459+3179A>G (NM_001394458.1, NM_001394459.1, NM_001394456.1 and 6 more transcripts); c.1462+3179A>G (NM_001394453.1, NM_001162953.4, NM_001365826.2 and 1 more transcripts); and 3 more.
Identifiers: ClinVar variation 2642242 (VCV002642242.24), dbSNP rs754776868, ClinGen allele CA6214011.

ClinVar aggregate classification (germline): Likely benign (1 of 4 stars; one submission).

Allele frequency attached by ClinVar (database versions not stated): gnomAD exomes below 0.00001; ExAC 0.00001; TOPMed 0.00001.

Submission:

CeGaT Center for Human Genetics Tuebingen
Classification: Likely benign. Last evaluated: 2023-02-01. Review status: criteria provided, single submitter. Criteria: CeGaT Center For Human Genetics Tuebingen Variant Classification Criteria Version 2. Collection method: clinical testing. Allele origin: germline. Affected: yes. Observed: 1 variant allele.
Comment: SYTL2: BP4, BP7